The following is an entry in ClinVar:

NM_001165963.4(SCN1A):c.3543del (p.Phe1181fs)

Genes: SCN1A (sodium voltage-gated channel alpha subunit 1; minus strand), LOC102724058 (uncharacterized LOC102724058; plus strand). Cytogenetic location: 2q24.3.
Variant type: Deletion.
Coding change: c.3543del on transcript NM_001165963.4 (MANE Select); coding-DNA position 3543, one base deleted (C; older notation c.3543delC).
Protein change: p.Phe1181fs; shifts the reading frame from phenylalanine 1181.
Molecular consequence: frameshift variant. On other transcripts: non-coding transcript variant (2).
Genome position (GRCh38, 1-based): chr2:166,015,614, G deleted on the plus strand (C on the coding strand, the reverse complement: SCN1A is on the minus strand). VCF-style (leftmost placement, unchanged base first): chr2-166015613-TG-T. GRCh37 (hg19) VCF-style: chr2-166872123-TG-T.
Other names: c.3459del, p.Phe1153fs (NM_001165964.3, NM_001353957.2, NM_001353958.2); c.3543del, p.Phe1181fs (NM_001202435.3, NM_001353948.2); c.3510del, p.Phe1170fs (NM_001353949.2, NM_001353950.2, NM_001353951.2 and 2 more transcripts); c.3507del, p.Phe1169fs (NM_001353954.2, NM_001353955.2); c.3456del, p.Phe1152fs (NM_001353960.2); c.1101del, p.Phe367fs (NM_001353961.2); short protein forms F1152fs, F1153fs, F1169fs, F1170fs, F1181fs, F367fs.
Identifiers: ClinVar variation 4880550 (VCV004880550.2).

ClinVar aggregate classification (germline): Likely pathogenic (1 of 4 stars; one submission).

Submission:

Dasa
Classification: Likely pathogenic. Last evaluated: 2025-04-25. Review status: criteria provided, single submitter. Criteria: DASA Assertion Criteria. Collection method: clinical testing. Allele origin: germline.
Comment: NM_001165963.4(SCN1A):c.3543del (p.Phe1181Leufs*27) is a frameshift variant in SCN1A predicted to alter the reading frame and introduce a premature termination codon and is predicted to result in an absent or altered protein product. Loss of function is an established disease mechanism for SCN1A (PMID: 11359211; PMID: 11940708; PMID: 18930999). Also, this variant is absent from population databases. Based on the currently available evidence, this variant is classified as likely pathogenic.

Literature cited by the submitters: PubMed 11359211; PubMed 11940708; PubMed 18930999.